The following is an entry in ClinVar:

NM_000417.3(IL2RA):c.609C>T (p.Pro203=)

Gene: IL2RA (interleukin 2 receptor subunit alpha; minus strand). Cytogenetic location: 10p15.1.
Variant type: single nucleotide variant.
Coding change: c.609C>T on transcript NM_000417.3 (MANE Select); coding-DNA position 609, C replaced by T.
Protein change: p.Pro203=; no amino-acid change (proline 203 retained).
Molecular consequence: synonymous variant. On other transcripts: intron variant (1).
Genome position (GRCh38, 1-based): chr10:6,019,916, G>A on the plus strand (C>T on the coding strand, the complement: IL2RA is on the minus strand). VCF-style: chr10-6019916-G-A. GRCh37 (hg19) VCF-style: chr10-6061879-G-A.
Other names: c.393C>T, p.Pro131= (NM_001308242.2); c.368-417C>T (NM_001308243.2).
Identifiers: ClinVar variation 757674 (VCV000757674.17), dbSNP rs760357500, ClinGen allele CA5397391.

ClinVar aggregate classification (germline): Likely benign. Review status: criteria provided, multiple submitters, no conflicts (2 of 4 stars). 2 submissions from 2 submitters: Likely benign (2). Last evaluated 2026-01-27.

Conditions:
Immunodeficiency due to CD25 deficiency. Also called: IMMUNODEFICIENCY 41 WITH LYMPHOPROLIFERATION AND AUTOIMMUNITY; CD25 DEFICIENCY; IL2RA DEFICIENCY. Identifiers: Orphanet 169100, MedGen C1853392, MONDO:0011664, OMIM 606367.

Allele frequency attached by ClinVar (database versions not stated): gnomAD 0.00004; TOPMed 0.00005.
gnomAD v4.1: 259 of 1,614,114 alleles (0.016%); highest among the groups gnomAD compares: Non-Finnish European, 0.021%; no homozygotes.

Submissions (2):

Labcorp Genetics (formerly Invitae), Labcorp
Classification: Likely benign for Immunodeficiency due to CD25 deficiency. Last evaluated: 2026-01-27. Review status: criteria provided, single submitter. Criteria: Invitae Variant Classification Sherloc (09022015). Collection method: clinical testing. Allele origin: germline.

CeGaT Center for Human Genetics Tuebingen
Classification: Likely benign. Last evaluated: 2025-08-01. Review status: criteria provided, single submitter. Criteria: CeGaT Center For Human Genetics Tuebingen Variant Classification Criteria Version 2. Collection method: clinical testing. Allele origin: germline. Affected: yes. Observed: 1 variant allele.
Comment: IL2RA: BP4, BP7